The following is an entry in ClinVar:

ClinVar aggregate classification (germline): Pathogenic/Likely pathogenic. Review status: criteria provided, multiple submitters, no conflicts (2 of 4 stars). 5 submissions from 5 submitters: Pathogenic (3); Likely pathogenic (1). 1 of the submissions does not count toward it. Last evaluated 2025-12-16.

Conditions:
GNE myopathy (NM). Also called: INCLUSION BODY MYOPATHY, HEREDITARY, AUTOSOMAL RECESSIVE; INCLUSION BODY MYOPATHY 2, AUTOSOMAL RECESSIVE; MYOPATHY, DISTAL, WITH OR WITHOUT RIMMED VACUOLES; IBM 2; Inclusion body myopathy autosomal recessive; Inclusion body myopathy quadriceps sparing. Identifiers: Orphanet 602, MedGen C1853926, MONDO:0011603, OMIM 605820.
Sialuria. Also called: Sialic Acid Storage Disease; SIALURIA, FRENCH TYPE. Identifiers: Orphanet 3166, MedGen C0342853, MONDO:0010028, OMIM 269921.

Allele frequency attached by ClinVar (database versions not stated): gnomAD exomes below 0.00001; gnomAD 0.00001.
gnomAD v4.1: 2 of 1,614,040 alleles (0.00012%); highest among the groups gnomAD compares: East Asian, 0.0022%; no homozygotes.

Submissions (5):

Natera, Inc.
Classification: Pathogenic for Nonaka myopathy. Last evaluated: 2025-12-16. Review status: criteria provided, single submitter. Criteria: Natera Variant Classification Schema (03/2026). Collection method: clinical testing. Allele origin: germline.
Comment: The c.1616T>C variant in GNE is a missense variant predicted to cause substitution of leucine to serine at amino acid 539. This variant is rare in the general population with a frequency below the threshold expected for the associated phenotype(s). This variant has been observed in one or more individuals affected with the associated recessive disease, as either homozygous or compound heterozygous with a second variant (PMID: 35138478). Computational prediction algorithms indicate this variant is likely to affect gene or protein function. Given the available evidence, this variant is classified as Pathogenic.

Labcorp Genetics (formerly Invitae), Labcorp
Classification: Likely pathogenic for Sialuria; GNE myopathy. Last evaluated: 2024-01-13. Review status: criteria provided, single submitter. Criteria: Invitae Variant Classification Sherloc (09022015). Collection method: clinical testing. Allele origin: germline.
Comment: This sequence change replaces leucine, which is neutral and non-polar, with serine, which is neutral and polar, at codon 539 of the GNE protein (p.Leu539Ser). This variant is present in population databases (no rsID available, gnomAD 0.007%). This missense change has been observed in individuals with distal myopathy (PMID: 21307865, 30390020). This variant is also known as p.L508S. ClinVar contains an entry for this variant (Variation ID: 370826). Advanced modeling of protein sequence and biophysical properties (such as structural, functional, and spatial information, amino acid conservation, physicochemical variation, residue mobility, and thermodynamic stability) has been performed at Invitae for this missense variant, however the output from this modeling did not meet the statistical confidence thresholds required to predict the impact of this variant on GNE protein function. In summary, the currently available evidence indicates that the variant is pathogenic, but additional data are needed to prove that conclusively. Therefore, this variant has been classified as Likely Pathogenic.

Mayo Clinic Laboratories, Mayo Clinic
Classification: Pathogenic. Last evaluated: 2022-05-18. Review status: criteria provided, single submitter. Criteria: ACMG Guidelines, 2015. Collection method: clinical testing. Allele origin: germline. Observed: 1 variant allele.
Comment: PP3, PM2, PM3_strong, PS4

Juno Genomics, Hangzhou Juno Genomics, Inc
Classification: Pathogenic for GNE myopathy. Review status: criteria provided, single submitter. Criteria: ACMG Guidelines, 2015. Collection method: clinical testing. Allele origin: germline.
Comment: Absent from controls (or at extremely low frequency if recessive) in Genome Aggregation Database.;Multiple lines of computational evidence support a deleterious effect on the gene or gene product.;Missense variant in a gene that has a low rate of benign missense variation.;For recessive disorders, detected in trans with a pathogenic variant.;Co-segregation with disease in multiple affected family members.

Counsyl
Classification: Likely pathogenic for GNE myopathy. Last evaluated: 2016-04-22. Review status: no assertion criteria provided. Collection method: clinical testing. Allele origin: unknown. Not counted in ClinVar's aggregate classification.

Literature cited by the submitters: PubMed 35138478 (cited by Natera, Inc.); PubMed 21307865 (cited by 3 submitters); PubMed 30390020 (cited by Labcorp Genetics (formerly Invitae), Labcorp and Mayo Clinic Laboratories, Mayo Clinic); PubMed 22196754 (cited by Mayo Clinic Laboratories, Mayo Clinic and Counsyl); PubMed 24796702 (cited by Mayo Clinic Laboratories, Mayo Clinic and Counsyl); PubMed 25986339 (cited by Mayo Clinic Laboratories, Mayo Clinic and Counsyl); PubMed 30842975 (cited by Mayo Clinic Laboratories, Mayo Clinic); PubMed 34676965 (cited by Mayo Clinic Laboratories, Mayo Clinic).

NM_005476.7(GNE):c.1523T>C (p.Leu508Ser)

Gene: GNE (glucosamine (UDP-N-acetyl)-2-epimerase/N-acetylmannosamine kinase; minus strand). Cytogenetic location: 9p13.3.
Variant type: single nucleotide variant.
Coding change: c.1523T>C on transcript NM_005476.7 (MANE Select); coding-DNA position 1523, T replaced by C.
Protein change: p.Leu508Ser; replaces leucine 508 with serine.
Molecular consequence: missense variant. On other transcripts: intron variant (1).
Genome position (GRCh38, 1-based): chr9:36,222,887, A>G on the plus strand (T>C on the coding strand, the complement: GNE is on the minus strand). VCF-style: chr9-36222887-A-G. GRCh37 (hg19) VCF-style: chr9-36222884-A-G.
Other names: p.Leu539Ser; c.1616T>C, p.Leu539Ser (NM_001128227.3); c.1193T>C, p.Leu398Ser (NM_001190384.3); c.1346T>C, p.Leu449Ser (NM_001190388.2, NM_001374798.1); c.1370T>C, p.Leu457Ser (NM_001374797.1); c.1411+486T>C (NM_001190383.3); short protein forms L539S, L508S, L398S, L457S, L449S.
Identifiers: ClinVar variation 370826 (VCV000370826.12), dbSNP rs1057516798, ClinGen allele CA16041312.